The following is an entry in ClinVar:

ClinVar aggregate classification (germline): Uncertain significance (1 of 4 stars; one submission).

Conditions:
Cardiovascular phenotype. Identifiers: MedGen CN230736.

Submission:

Ambry Genetics
Classification: Uncertain significance for Cardiovascular phenotype. Last evaluated: 2026-07-01. Review status: criteria provided, single submitter. Criteria: Ambry Variant Classification Scheme 2023. Collection method: clinical testing. Allele origin: germline.
Comment: The p.P604L variant (also known as c.1811C>T), located in coding exon 13 of the TRPM4 gene, results from a C to T substitution at nucleotide position 1811. The proline at codon 604 is replaced by leucine, an amino acid with similar properties. This amino acid position is conserved. In addition, this alteration is predicted to be tolerated by in silico analysis. Based on the available evidence, the clinical significance of this variant remains unclear.

NM_017636.4(TRPM4):c.1811C>T (p.Pro604Leu)

Gene: TRPM4 (transient receptor potential cation channel subfamily M member 4; plus strand). Cytogenetic location: 19q13.33.
Variant type: single nucleotide variant.
Coding change: c.1811C>T on transcript NM_017636.4 (MANE Select); coding-DNA position 1811, C replaced by T.
Protein change: p.Pro604Leu; replaces proline 604 with leucine.
Molecular consequence: missense variant.
Genome position (GRCh38, 1-based): chr19:49,188,708, C>T. VCF-style: chr19-49188708-C-T. GRCh37 (hg19) VCF-style: chr19-49691965-C-T.
Other names: c.1811C>T, p.Pro604Leu (NM_001195227.2); c.1466C>T, p.Pro489Leu (NM_001321281.2); c.203C>T, p.Pro68Leu (NM_001321282.2); c.1289C>T, p.Pro430Leu (NM_001321283.2); c.749C>T, p.Pro250Leu (NM_001321285.2); short protein forms P250L, P489L, P430L, P604L, P68L.
Identifiers: ClinVar variation 5031150 (VCV005031150.1).